The following is an entry in ClinVar:

ClinVar aggregate classification (germline): Uncertain significance (1 of 4 stars; one submission).

Conditions:
Gorlin syndrome. Also called: Nevoid Basal Cell Carcinoma Syndrome; Basal cell nevus syndrome. Identifiers: Orphanet 377, MedGen C0004779, MONDO:0007187.
Medulloblastoma (MDB). Also called: Medulloblastoma, somatic; MEDULLOBLASTOMA PREDISPOSITION SYNDROME. Identifiers: Orphanet 616, MedGen C0025149, MeSH D008527, MONDO:0007959, OMIM 155255, HP:0002885.

Submission:

Labcorp Genetics (formerly Invitae), Labcorp
Classification: Uncertain significance for Gorlin syndrome; Medulloblastoma. Last evaluated: 2024-06-11. Review status: criteria provided, single submitter. Criteria: Invitae Variant Classification Sherloc (09022015). Collection method: clinical testing. Allele origin: germline.
Comment: This sequence change replaces leucine, which is neutral and non-polar, with glutamine, which is neutral and polar, at codon 312 of the SUFU protein (p.Leu312Gln). This variant is not present in population databases (gnomAD no frequency). This variant has not been reported in the literature in individuals affected with SUFU-related conditions. Advanced modeling of protein sequence and biophysical properties (such as structural, functional, and spatial information, amino acid conservation, physicochemical variation, residue mobility, and thermodynamic stability) performed at Invitae indicates that this missense variant is not expected to disrupt SUFU protein function with a negative predictive value of 80%. In summary, the available evidence is currently insufficient to determine the role of this variant in disease. Therefore, it has been classified as a Variant of Uncertain Significance.

NM_016169.4(SUFU):c.935T>A (p.Leu312Gln)

Gene: SUFU (SUFU negative regulator of hedgehog signaling; plus strand). Cytogenetic location: 10q24.32.
Variant type: single nucleotide variant.
Coding change: c.935T>A on transcript NM_016169.4 (MANE Select); coding-DNA position 935, T replaced by A.
Protein change: p.Leu312Gln; replaces leucine 312 with glutamine.
Molecular consequence: missense variant.
Genome position (GRCh38, 1-based): chr10:102,599,457, T>A. VCF-style: chr10-102599457-T-A. GRCh37 (hg19) VCF-style: chr10-104359214-T-A.
Other names: c.935T>A, p.Leu312Gln (NM_001178133.2); short protein forms L312Q.
Identifiers: ClinVar variation 3756773 (VCV003756773.2).